The following is an entry in ClinVar:

ClinVar aggregate classification (germline): Uncertain significance (1 of 4 stars; one submission).

Submission:

Labcorp Genetics (formerly Invitae), Labcorp
Classification: Uncertain significance. Last evaluated: 2023-08-03. Review status: criteria provided, single submitter. Criteria: Invitae Variant Classification Sherloc (09022015). Collection method: clinical testing. Allele origin: germline.
Comment: This variant is not present in population databases (gnomAD no frequency). This variant has not been reported in the literature in individuals affected with MYO18B-related conditions. ClinVar contains an entry for this variant (Variation ID: 1955159). An algorithm developed to predict the effect of missense changes on protein structure and function (PolyPhen-2) suggests that this variant is likely to be disruptive. In summary, the available evidence is currently insufficient to determine the role of this variant in disease. Therefore, it has been classified as a Variant of Uncertain Significance. This sequence change replaces serine, which is neutral and polar, with phenylalanine, which is neutral and non-polar, at codon 2367 of the MYO18B protein (p.Ser2367Phe).

NM_032608.7(MYO18B):c.7100C>T (p.Ser2367Phe)

Gene: MYO18B (myosin XVIIIB; plus strand). Cytogenetic location: 22q12.1.
Variant type: single nucleotide variant.
Coding change: c.7100C>T on transcript NM_032608.7 (MANE Select); coding-DNA position 7100, C replaced by T.
Protein change: p.Ser2367Phe; replaces serine 2367 with phenylalanine.
Molecular consequence: missense variant.
Genome position (GRCh38, 1-based): chr22:26,027,074, C>T. VCF-style: chr22-26027074-C-T. GRCh37 (hg19) VCF-style: chr22-26423040-C-T.
Other names: c.7103C>T, p.Ser2368Phe (NM_001318245.2); short protein forms S2367F, S2368F.
Identifiers: ClinVar variation 1955159 (VCV001955159.4), dbSNP rs2518433935, ClinGen allele CA411011740.